The following is an entry in ClinVar:

ClinVar aggregate classification (germline): Uncertain significance (1 of 4 stars; one submission).

Submission:

GeneDx
Classification: Uncertain significance. Last evaluated: 2024-09-30. Review status: criteria provided, single submitter. Criteria: GeneDx Variant Classification Process June 2021. Collection method: clinical testing. Allele origin: germline. Affected: yes.
Comment: Not observed at significant frequency in large population cohorts (gnomAD); In silico analysis supports that this missense variant has a deleterious effect on protein structure/function; Has not been previously published as pathogenic or benign to our knowledge

NM_001205293.3(CACNA1E):c.925G>A (p.Glu309Lys)

Gene: CACNA1E (calcium voltage-gated channel subunit alpha1 E; plus strand). Cytogenetic location: 1q25.3.
Variant type: single nucleotide variant.
Coding change: c.925G>A on transcript NM_001205293.3 (MANE Select); coding-DNA position 925, G replaced by A.
Protein change: p.Glu309Lys; replaces glutamic acid 309 with lysine.
Molecular consequence: missense variant.
Genome position (GRCh38, 1-based): chr1:181,580,750, G>A. VCF-style: chr1-181580750-G-A. GRCh37 (hg19) VCF-style: chr1-181549886-G-A.
Other names: c.925G>A, p.Glu309Lys (NM_000721.4, NM_001205294.2); short protein forms E309K.
Identifiers: ClinVar variation 3774792 (VCV003774792.1).